The following is an entry in ClinVar:

ClinVar aggregate classification (germline): Likely pathogenic. Review status: criteria provided, multiple submitters, no conflicts (2 of 4 stars). 2 submissions from 2 submitters: Likely pathogenic (2). Last evaluated 2026-09-01.

Conditions:
Hypophosphatasia. Also called: Phosphoethanol-aminuria. Identifiers: Orphanet 436, MedGen C0020630, MeSH D007014, MONDO:0018570.

Submissions (2):

Genomenon, Inc
Classification: Likely pathogenic for Hypophosphatasia. Last evaluated: 2026-09-01. Review status: criteria provided, single submitter. Criteria: Genomenon Sequence Variant Interpretation Standards - Updated. Collection method: curation. Allele origin: germline. Affected: yes.
Comment: ALPL p.Leu14Pro (c.41T>C) is a missense variant that changes the amino acid at codon 14 from Leucine to Proline. This variant has been observed in at least one proband affected with an ALPL-related disorder (PMID:32973344). At least one functional study has demonstrated a substantial alteration in protein function relative to the wild-type (PMID:40386289). It is absent or not present at a significant frequency in gnomAD. In silico models predict that this variant is possibly or probably damaging. In conclusion, we classify ALPL p.Leu14Pro (c.41T>C) as a likely pathogenic variant.

JKU Lab, Dept of Paediatrics, Johannes Kepler University
Classification: Likely pathogenic for Hypophosphatasia. Last evaluated: 2021-12-16. Review status: criteria provided, single submitter. Criteria: ACMG Guidelines, 2015. Collection method: clinical testing. Allele origin: germline. Affected: yes. Observed: 1 compound heterozygote.
Comment: This variant is absent from large population studies. Functional studies performed at the JKU Hoegler lab showed reduced ALPL activity. ACMG Criteria used for classification: PS3_Mod, PM2_Sup, PM3_Sup, PP2_Sup, PP3_Sup, PP4_Sup.

Literature cited by the submitters: PubMed 32973344 (cited by Genomenon, Inc and JKU Lab, Dept of Paediatrics, Johannes Kepler University); PubMed 40386289 (cited by Genomenon, Inc); PubMed 32160374 (cited by JKU Lab, Dept of Paediatrics, Johannes Kepler University).

NM_000478.6(ALPL):c.41T>C (p.Leu14Pro)

Gene: ALPL (alkaline phosphatase, biomineralization associated; plus strand). Cytogenetic location: 1p36.12.
Variant type: single nucleotide variant.
Coding change: c.41T>C on transcript NM_000478.6 (MANE Select); coding-DNA position 41, T replaced by C.
Protein change: p.Leu14Pro; replaces leucine 14 with proline.
Molecular consequence: missense variant. On other transcripts: intron variant (2).
Genome position (GRCh38, 1-based): chr1:21,554,122, T>C. VCF-style: chr1-21554122-T-C. GRCh37 (hg19) VCF-style: chr1-21880615-T-C.
Other names: c.41T>C, p.Leu14Pro (NM_001369803.2, NM_001369804.2, NM_001369805.2); c.-104-6504T>C (NM_001127501.4); c.-54-6504T>C (NM_001177520.3); short protein forms L14P.
Identifiers: ClinVar variation 1334788 (VCV001334788.4), dbSNP rs2148135377, ClinGen allele CA338876432.
Genomic context (GRCh38, chr1:21,554,122, plus strand): 5'-AGCAGGTCTTGGGGTGCACCATGATTTCACCATTCTTAGTACTGGCCATTGGCACCTGCC[T>C]TACTAACTCCTTAGTGCCAGGTATGCTTGGGGACACAGGTGGAGGCATAAAAAGGTGGTG-3'
Protein context (NP_000469.3, residues 4-24): PFLVLAIGTC[Leu14Pro]TNSLVPEKEK